The following is an entry in ClinVar:

ClinVar aggregate classification (germline): Uncertain significance (1 of 4 stars; one submission).

Allele frequency attached by ClinVar (database versions not stated): ExAC 0.00002; gnomAD exomes 0.00002 and 0.00005; gnomAD 0.00039; TOPMed 0.00053.
gnomAD v4.1: 127 of 1,589,538 alleles (0.008%); highest among the groups gnomAD compares: Middle Eastern, 0.017%; 2 homozygotes.

Submission:

Labcorp Genetics (formerly Invitae), Labcorp
Classification: Uncertain significance. Last evaluated: 2022-03-10. Review status: criteria provided, single submitter. Criteria: Invitae Variant Classification Sherloc (09022015). Collection method: clinical testing. Allele origin: germline.
Comment: In summary, the available evidence is currently insufficient to determine the role of this variant in disease. Therefore, it has been classified as a Variant of Uncertain Significance. Algorithms developed to predict the effect of missense changes on protein structure and function output the following: SIFT: "Deleterious"; PolyPhen-2: "Benign"; Align-GVGD: "Class C0". The tryptophan amino acid residue is found in multiple mammalian species, which suggests that this missense change does not adversely affect protein function. This variant has not been reported in the literature in individuals affected with TRIOBP-related conditions. The frequency data for this variant in the population databases is considered unreliable, as metrics indicate poor data quality at this position in the gnomAD database. This sequence change replaces arginine, which is basic and polar, with tryptophan, which is neutral and slightly polar, at codon 1408 of the TRIOBP protein (p.Arg1408Trp).

NM_001039141.3(TRIOBP):c.4222C>T (p.Arg1408Trp)

Gene: TRIOBP (TRIO and F-actin binding protein; plus strand). Cytogenetic location: 22q13.1.
Variant type: single nucleotide variant.
Coding change: c.4222C>T on transcript NM_001039141.3 (MANE Select); coding-DNA position 4222, C replaced by T.
Protein change: p.Arg1408Trp; replaces arginine 1408 with tryptophan.
Molecular consequence: missense variant.
Genome position (GRCh38, 1-based): chr22:37,734,558, C>T. VCF-style: chr22-37734558-C-T. GRCh37 (hg19) VCF-style: chr22-38130565-C-T.
Other names: short protein forms R1408W.
Identifiers: ClinVar variation 1367759 (VCV001367759.6), dbSNP rs577249547, ClinGen allele CA10224337.